The following is an entry in ClinVar:

NM_014363.6(SACS):c.13694C>A (p.Ala4565Asp)

Gene: SACS (sacsin molecular chaperone; minus strand). Cytogenetic location: 13q12.12.
Variant type: single nucleotide variant.
Coding change: c.13694C>A on transcript NM_014363.6 (MANE Select); coding-DNA position 13694, C replaced by A.
Protein change: p.Ala4565Asp; replaces alanine 4565 with aspartic acid.
Molecular consequence: missense variant.
Genome position (GRCh38, 1-based): chr13:23,330,182, G>T on the plus strand (C>A on the coding strand, the complement: SACS is on the minus strand). VCF-style: chr13-23330182-G-T. GRCh37 (hg19) VCF-style: chr13-23904321-G-T.
Other names: c.13253C>A, p.Ala4418Asp (NM_001278055.2); c.13694C>A (NM_014363.4); short protein forms A4418D, A4565D.
Identifiers: ClinVar variation 938190 (VCV000938190.11), dbSNP rs375722463, ClinGen allele CA6909932.
Genomic context (GRCh38, chr13:23,330,182, plus strand): 5'-TTCGTTAAATATCTTCACACTTTTTGTTGCATAAAATTTTCAAGTTTTATTATGATACAG[G>T]CAGTACATTCCATCACCCTCATAGCAACCTCAGAAGTGAACCTGTCATTTGGGATCTGAG-3'
Protein context (NP_055178.3, residues 4555-4575): EVAMRVMECT[Ala4565Asp]CIIIKLENFM

ClinVar aggregate classification (germline): Conflicting classifications of pathogenicity. Review status: criteria provided, conflicting classifications (1 of 4 stars). 5 submissions from 5 submitters: Uncertain significance (3); Likely benign (1). 1 of the submissions does not count toward it. Last evaluated 2026-02-20.

Conditions:
Spastic paraplegia. Identifiers: MedGen C0037772, HP:0001258.
Charlevoix-Saguenay spastic ataxia (SACS). Also called: AUTOSOMAL RECESSIVE SPASTIC ATAXIA OF CHARLEVOIX-SAGUENAY; SPASTIC ATAXIA 6, AUTOSOMAL RECESSIVE; Spastic ataxia of Charlevoix-Saguenay. Identifiers: Orphanet 98, MedGen C1849140, MONDO:0010041, OMIM 270550.

Allele frequency attached by ClinVar (database versions not stated): ExAC 0.00002; gnomAD 0.00002; gnomAD exomes 0.00003 and 0.00009; TOPMed 0.00003; ESP Exome Variant Server 0.00023.
gnomAD v4.1: 133 of 1,613,740 alleles (0.0082%); highest among the groups gnomAD compares: Non-Finnish European, 0.011%; no homozygotes.

Submissions (5):

GeneDx
Classification: Uncertain significance. Last evaluated: 2026-02-20. Review status: criteria provided, single submitter. Criteria: GeneDx Variant Classification Process June 2021. Collection method: clinical testing. Allele origin: germline.
Comment: In silico analysis suggests that this missense variant does not alter protein structure/function; Has not been previously published as pathogenic or benign to our knowledge

Labcorp Genetics (formerly Invitae), Labcorp
Classification: Likely benign for Spastic paraplegia. Last evaluated: 2025-06-04. Review status: criteria provided, single submitter. Criteria: Invitae Variant Classification Sherloc (09022015). Collection method: clinical testing. Allele origin: germline.

Blueprint Genetics
Classification: Uncertain significance. Last evaluated: 2021-02-01. Review status: criteria provided, single submitter. Criteria: ACMG Guidelines, 2015. Collection method: clinical testing. Allele origin: germline.

Revvity Omics, Revvity
Classification: Uncertain significance for Charlevoix-Saguenay spastic ataxia. Last evaluated: 2019-11-15. Review status: criteria provided, single submitter. Criteria: ACMG Guidelines, 2015. Collection method: clinical testing. Allele origin: germline.

Natera, Inc.
Classification: Uncertain significance for Charlevoix-Saguenay type spastic ataxia. Last evaluated: 2020-05-28. Review status: no assertion criteria provided. Collection method: clinical testing. Allele origin: germline. Not counted in ClinVar's aggregate classification.